The following is an entry in ClinVar:

ClinVar aggregate classification (germline): Conflicting classifications of pathogenicity. Review status: criteria provided, conflicting classifications (1 of 4 stars). 3 submissions from 3 submitters: Uncertain significance (1); Likely benign (2). Last evaluated 2025-12-27.

Conditions:
Emery-Dreifuss muscular dystrophy 5, autosomal dominant (EDMD5). Also called: EMERY-DREIFUSS MUSCULAR DYSTROPHY 5. Identifiers: Orphanet 261, MedGen C2751805, MONDO:0013072, OMIM 612999.

Allele frequency attached by ClinVar (database versions not stated): gnomAD exomes 0.00008 and 0.00029; ExAC 0.00038; 1000 Genomes Project 30x 0.00078; 1000 Genomes Project 0.00080; gnomAD 0.00104 and 0.00111; TOPMed 0.00110; ESP Exome Variant Server 0.00118.
gnomAD v4.1: 280 of 1,613,634 alleles (0.017%); highest among the groups gnomAD compares: African/African-American, 0.33%; 1 homozygote.

Submissions (3):

Labcorp Genetics (formerly Invitae), Labcorp
Classification: Likely benign for Emery-Dreifuss muscular dystrophy 5, autosomal dominant. Last evaluated: 2025-12-27. Review status: criteria provided, single submitter. Criteria: Invitae Variant Classification Sherloc (09022015). Collection method: clinical testing. Allele origin: germline.

Athena Diagnostics
Classification: Likely benign. Last evaluated: 2021-01-28. Review status: criteria provided, single submitter. Criteria: Athena Diagnostics criteria. Collection method: clinical testing. Allele origin: unknown.

GeneDx
Classification: Uncertain significance. Last evaluated: 2017-09-14. Review status: criteria provided, single submitter. Criteria: GeneDx Variant Classification (06012015). Collection method: clinical testing. Allele origin: germline. Affected: yes.
Comment: The c.7643+6T>C variant in the SYNE2 gene has not been reported previously as a pathogenic variant nor as a benign variant, to our knowledge. This variant is predicted to damage the natural splice donor site in intron 47, creating a strong donor site downstream, which may cause abnormal gene splicing. The c.7643+6T>C variant is observed in 33/9590 (0.34%) alleles from individuals of African background in large population cohorts (Lek et al., 2016; 1000 Genomes Consortium et al., 2015; Exome Variant Server). We interpret c.7643+6T>C as a variant of uncertain significance.

NM_182914.3(SYNE2):c.7643+6T>C

Gene: SYNE2 (spectrin repeat containing nuclear envelope protein 2; plus strand). Cytogenetic location: 14q23.2.
Variant type: single nucleotide variant.
Coding change: c.7643+6T>C on transcript NM_182914.3 (MANE Select); 6 bases into the intron after coding-DNA position 7643, T replaced by C.
Molecular consequence: intron variant.
Genome position (GRCh38, 1-based): chr14:64,049,882, T>C. VCF-style: chr14-64049882-T-C. GRCh37 (hg19) VCF-style: chr14-64516600-T-C.
Other names: c.7643+6T>C (NM_015180.6).
Identifiers: ClinVar variation 449578 (VCV000449578.14), dbSNP rs144143344, ClinGen allele CA7220978.